The following is an entry in ClinVar:

ClinVar aggregate classification (germline): Likely benign. Review status: criteria provided, multiple submitters, no conflicts (2 of 4 stars). 6 submissions from 6 submitters: Likely benign (6). Last evaluated 2026-01-08.

Conditions:
Hypertrophic cardiomyopathy. Also called: HYPERTROPHIC MYOCARDIOPATHY. Identifiers: Orphanet 217569, MedGen C0007194, MeSH D002312, MONDO:0005045, HP:0001639.

Allele frequency attached by ClinVar (database versions not stated): gnomAD 0.00001 and 0.00002; ExAC 0.00003; TOPMed 0.00003; gnomAD exomes 0.00004; 1000 Genomes Project 30x 0.00016; 1000 Genomes Project 0.00020.
gnomAD v4.1: 55 of 1,611,990 alleles (0.0034%); highest among the groups gnomAD compares: Middle Eastern, 0.15%; 1 homozygote.

Submissions (6):

Labcorp Genetics (formerly Invitae), Labcorp
Classification: Likely benign for Hypertrophic cardiomyopathy. Last evaluated: 2026-01-08. Review status: criteria provided, single submitter. Criteria: Invitae Variant Classification Sherloc (09022015). Collection method: clinical testing. Allele origin: germline.

Genomic Medicine Center of Excellence, King Faisal Specialist Hospital and Research Centre
Classification: Likely benign. Last evaluated: 2025-08-18. Review status: criteria provided, single submitter. Criteria: ACMG Guidelines, 2015. Collection method: clinical testing. Allele origin: germline.

Women's Health and Genetics/Laboratory Corporation of America, LabCorp
Classification: Likely benign. Last evaluated: 2024-12-12. Review status: criteria provided, single submitter. Criteria: LabCorp Variant Classification Summary - May 2015. Collection method: clinical testing. Allele origin: germline.

Blueprint Genetics
Classification: Likely benign. Last evaluated: 2023-05-08. Review status: criteria provided, single submitter. Criteria: ACMG Guidelines, 2015. Collection method: clinical testing. Allele origin: germline.

GeneDx
Classification: Likely benign. Last evaluated: 2016-02-23. Review status: criteria provided, single submitter. Criteria: GeneDx Variant Classification (06012015). Collection method: clinical testing. Allele origin: germline. Affected: yes.
Comment: This variant is considered likely benign or benign based on one or more of the following criteria: it is a conservative change, it occurs at a poorly conserved position in the protein, it is predicted to be benign by multiple in silico algorithms, and/or has population frequency not consistent with disease.

Breakthrough Genomics
Classification: Likely benign. Review status: criteria provided, single submitter. Criteria: ACMG Guidelines, 2015. Collection method: not provided. Allele origin: germline. Inheritance: Autosomal recessive inheritance. Affected: yes.

NM_000363.5(TNNI3):c.372+20C>T

Gene: TNNI3 (troponin I3, cardiac type; minus strand). Cytogenetic location: 19q13.42.
Variant type: single nucleotide variant.
Coding change: c.372+20C>T on transcript NM_000363.5 (MANE Select); 20 bases into the intron after coding-DNA position 372, C replaced by T.
Molecular consequence: intron variant.
Genome position (GRCh38, 1-based): chr19:55,154,721, G>A on the plus strand (C>T on the coding strand, the complement: TNNI3 is on the minus strand). VCF-style: chr19-55154721-G-A. GRCh37 (hg19) VCF-style: chr19-55666089-G-A.
Other names: c.372+20C>T (LRG_432t1).
Identifiers: ClinVar variation 384111 (VCV000384111.13), dbSNP rs529338677, ClinGen allele CA051376.